The following is an entry in ClinVar:

NM_004655.4(AXIN2):c.723C>T (p.Cys241=)

Gene: AXIN2 (axin 2; minus strand). Cytogenetic location: 17q24.1.
Variant type: single nucleotide variant.
Coding change: c.723C>T on transcript NM_004655.4 (MANE Select); coding-DNA position 723, C replaced by T.
Protein change: p.Cys241=; no amino-acid change (cysteine 241 retained).
Molecular consequence: synonymous variant.
Genome position (GRCh38, 1-based): chr17:65,557,898, G>A on the plus strand (C>T on the coding strand, the complement: AXIN2 is on the minus strand). VCF-style: chr17-65557898-G-A. GRCh37 (hg19) VCF-style: chr17-63554016-G-A.
Other names: c.723C>T, p.Cys241= (NM_001363813.1).
Identifiers: ClinVar variation 1757852 (VCV001757852.3), dbSNP rs2544247805, ClinGen allele CA501691362.

ClinVar aggregate classification (germline): Benign/Likely benign. Review status: criteria provided, multiple submitters, no conflicts (2 of 4 stars). 2 submissions from 2 submitters: Benign (1); Likely benign (1). Last evaluated 2024-06-27.

Conditions:
Hereditary cancer-predisposing syndrome. Also called: Neoplastic Syndromes, Hereditary; Tumor predisposition; Hereditary Cancer Syndrome; Hereditary neoplastic syndrome. Identifiers: Orphanet 140162, MedGen C0027672, MeSH D009386, MONDO:0015356.
Oligodontia-cancer predisposition syndrome. Also called: TOOTH AGENESIS-COLORECTAL CANCER SYNDROME. Identifiers: Orphanet 300576, MedGen C1837750, MONDO:0012075, OMIM 608615. Disease mechanism: loss of function.

Submissions (2):

Myriad Genetics, Inc.
Classification: Benign for Oligodontia-cancer predisposition syndrome. Last evaluated: 2024-06-27. Review status: criteria provided, single submitter. Criteria: Myriad Autosomal Dominant, Autosomal Recessive and X-Linked Classification Criteria (2023). Collection method: clinical testing. Allele origin: unknown.
Comment: This variant is considered benign. This variant is a silent/synonymous amino acid change and it is not expected to impact splicing.

Ambry Genetics
Classification: Likely benign for Hereditary cancer-predisposing syndrome. Last evaluated: 2022-04-22. Review status: criteria provided, single submitter. Criteria: Ambry Variant Classification Scheme 2023. Collection method: clinical testing. Allele origin: germline.